The following is an entry in ClinVar:

NM_015978.3(TNNI3K):c.1880_1881dup (p.Leu628fs)

Genes: FPGT-TNNI3K (FPGT-TNNI3K readthrough; plus strand), TNNI3K (TNNI3 interacting kinase; plus strand). Cytogenetic location: 1p31.1.
Variant type: Duplication.
Coding change: c.1880_1881dup on transcript NM_015978.3 (MANE Select); coding-DNA positions 1880 to 1881, 2 bases duplicated (AC; older notation c.1880_1881dupAC).
Protein change: p.Leu628fs; shifts the reading frame from leucine 628.
Molecular consequence: frameshift variant.
Genome position (GRCh38, 1-based): chr1:74,439,491-74,439,492, AC duplicated. VCF-style (leftmost placement, unchanged base first): chr1-74439490-A-AAC. GRCh37 (hg19) VCF-style: chr1-74905174-A-AAC.
Other names: c.2183_2184dup, p.Leu729fs (NM_001112808.3, NM_001199327.2); short protein forms L729fs, L628fs.
Identifiers: ClinVar variation 3658776 (VCV003658776.2).
Genomic context (GRCh38, chr1:74,439,490, plus strand): 5'-CTCTGCAGTGGAAGAACCAAACACTTGGTAAATGGCTTGTGGATGTTTCTTGATGTGCAG[A>AAC]ACCTCCGTTGGATGGCTCCTGAGGTGTTCACGCAGTGCACTCGGTACACCATCAAAGCAG-3'

ClinVar aggregate classification (germline): Uncertain significance (1 of 4 stars; one submission).

Submission:

Labcorp Genetics (formerly Invitae), Labcorp
Classification: Uncertain significance. Last evaluated: 2024-07-04. Review status: criteria provided, single submitter. Criteria: Invitae Variant Classification Sherloc (09022015). Collection method: clinical testing. Allele origin: germline.
Comment: This sequence change creates a premature translational stop signal (p.Leu628Thrfs*72) in the TNNI3K gene. It is expected to result in an absent or disrupted protein product. However, the current clinical and genetic evidence is not sufficient to establish whether loss-of-function variants in TNNI3K cause disease. This variant is not present in population databases (gnomAD no frequency). This variant has not been reported in the literature in individuals affected with TNNI3K-related conditions. In summary, the available evidence is currently insufficient to determine the role of this variant in disease. Therefore, it has been classified as a Variant of Uncertain Significance.